The following is an entry in ClinVar:

ClinVar aggregate classification (germline): Likely pathogenic (1 of 4 stars; one submission).

Conditions:
Primary ciliary dyskinesia 7. Also called: CILIARY DYSKINESIA, PRIMARY, 7, WITH OR WITHOUT SITUS INVERSUS. Identifiers: Orphanet 244, MedGen C2678473, MONDO:0012748, OMIM 611884.

Submission:

Johns Hopkins Genomics, Johns Hopkins University
Classification: Likely pathogenic for Primary ciliary dyskinesia 7. Last evaluated: 2023-06-30. Review status: criteria provided, single submitter. Criteria: ACMG Guidelines, 2015. Collection method: clinical testing. Allele origin: germline.
Comment: A deletion including part of DNAH11 exon 32 and all of DNAH11 exons 33-36 was identified. There is an insertion of 4 novel nucleotides at the deletion breakpoint. This variant is is absent from two large population datasets and has not been reported in ClinVar nor the literature, to our knowledge. We consider DNAH11 c.5554_6181-2105delinsGGTA to be likely pathogenic.

Literature cited by the submitters: PubMed 17515466; PubMed 22184204; PubMed 31040315.

NM_001277115.1:c.5554_6181-2105delinsGGTA

Gene: DNAH11 (dynein axonemal heavy chain 11; plus strand).
Variant type: Indel.
Identifiers: ClinVar variation 2575225 (VCV002575225.2).